The following is an entry in ClinVar:

ClinVar aggregate classification (germline): Uncertain significance (1 of 4 stars; one submission).

Allele frequency attached by ClinVar (database versions not stated): gnomAD exomes below 0.00001.
gnomAD v4.1: 3 of 1,563,546 alleles (0.00019%); highest among the groups gnomAD compares: South Asian, 0.0035%; no homozygotes.

Submission:

Labcorp Genetics (formerly Invitae), Labcorp
Classification: Uncertain significance. Last evaluated: 2023-10-03. Review status: criteria provided, single submitter. Criteria: Invitae Variant Classification Sherloc (09022015). Collection method: clinical testing. Allele origin: germline.
Comment: This sequence change replaces alanine, which is neutral and non-polar, with threonine, which is neutral and polar, at codon 466 of the CAMK2B protein (p.Ala466Thr). This variant is present in population databases (rs775071445, gnomAD 0.004%). This variant has not been reported in the literature in individuals affected with CAMK2B-related conditions. ClinVar contains an entry for this variant (Variation ID: 1358661). An algorithm developed to predict the effect of missense changes on protein structure and function (PolyPhen-2) suggests that this variant is likely to be tolerated. In summary, the available evidence is currently insufficient to determine the role of this variant in disease. Therefore, it has been classified as a Variant of Uncertain Significance.

NM_001220.5(CAMK2B):c.1396G>A (p.Ala466Thr)

Gene: CAMK2B (calcium/calmodulin dependent protein kinase II beta; minus strand). Cytogenetic location: 7p13.
Variant type: single nucleotide variant.
Coding change: c.1396G>A on transcript NM_001220.5 (MANE Select); coding-DNA position 1396, G replaced by A.
Protein change: p.Ala466Thr; replaces alanine 466 with threonine.
Molecular consequence: missense variant. On other transcripts: intron variant (8).
Genome position (GRCh38, 1-based): chr7:44,228,868, C>T on the plus strand (G>A on the coding strand, the complement: CAMK2B is on the minus strand). VCF-style: chr7-44228868-C-T. GRCh37 (hg19) VCF-style: chr7-44268467-C-T.
Other names: c.947-7967G>A (NM_172084.3); c.1150+2138G>A (NM_172080.3); c.1036+2138G>A (NM_172083.3); c.1108+2138G>A (NM_172081.3); c.1153+2138G>A (NM_172079.3, NM_172082.3); c.1225+2138G>A (NM_001293170.2, NM_172078.3); short protein forms A466T.
Identifiers: ClinVar variation 1358661 (VCV001358661.8), dbSNP rs775071445, ClinGen allele CA4240324.